The following is an entry in ClinVar:

NM_000302.4(PLOD1):c.742C>T (p.Leu248=)

Gene: PLOD1 (procollagen-lysine,2-oxoglutarate 5-dioxygenase 1; plus strand). Cytogenetic location: 1p36.22.
Variant type: single nucleotide variant.
Coding change: c.742C>T on transcript NM_000302.4 (MANE Select); coding-DNA position 742, C replaced by T.
Protein change: p.Leu248=; no amino-acid change (leucine 248 retained).
Molecular consequence: synonymous variant.
Genome position (GRCh38, 1-based): chr1:11,957,842, C>T. VCF-style: chr1-11957842-C-T. GRCh37 (hg19) VCF-style: chr1-12017899-C-T.
Other names: c.883C>T, p.Leu295= (NM_001316320.2).
Identifiers: ClinVar variation 1964795 (VCV001964795.2), dbSNP rs763439166, ClinGen allele CA598125.

ClinVar aggregate classification (germline): Uncertain significance (1 of 4 stars; one submission).

Conditions:
Ehlers-Danlos syndrome, kyphoscoliotic type 1 (EDSKSCL1). Also called: PLOD1-Related Kyphoscoliotic Ehlers-Danlos Syndrome; EHLERS-DANLOS SYNDROME, TYPE VIA; Ehlers-Danlos syndrome, hydroxylysine-deficient; EHLERS-DANLOS SYNDROME, OCULAR-SCOLIOTIC TYPE. Identifiers: Orphanet 1900, MedGen C0268342, MONDO:0016002, OMIM 225400. Disease mechanism: loss of function.

Allele frequency attached by ClinVar (database versions not stated): ExAC 0.00001; gnomAD 0.00001.
gnomAD v4.1: 4 of 1,611,330 alleles (0.00025%); highest among the groups gnomAD compares: Non-Finnish European, 0.00034%; no homozygotes.

Submission:

Labcorp Genetics (formerly Invitae), Labcorp
Classification: Uncertain significance for Ehlers-Danlos syndrome, kyphoscoliotic type 1. Last evaluated: 2022-11-01. Review status: criteria provided, single submitter. Criteria: Invitae Variant Classification Sherloc (09022015). Collection method: clinical testing. Allele origin: germline.
Comment: This sequence change affects codon 248 of the PLOD1 mRNA. It is a 'silent' change, meaning that it does not change the encoded amino acid sequence of the PLOD1 protein. It affects a nucleotide within the consensus splice site. This variant is present in population databases (rs763439166, gnomAD 0.0009%). This variant has not been reported in the literature in individuals affected with PLOD1-related conditions. Algorithms developed to predict the effect of sequence changes on RNA splicing suggest that this variant is not likely to affect RNA splicing. In summary, the available evidence is currently insufficient to determine the role of this variant in disease. Therefore, it has been classified as a Variant of Uncertain Significance.